The following is an entry in ClinVar:

ClinVar aggregate classification (germline): Uncertain significance (1 of 4 stars; one submission).

Conditions:
Renal cell carcinoma. Identifiers: Orphanet 217071, MedGen C0007134, MeSH D002292, MONDO:0005086, HP:0005584.

Submission:

Labcorp Genetics (formerly Invitae), Labcorp
Classification: Uncertain significance for Renal cell carcinoma. Last evaluated: 2024-08-15. Review status: criteria provided, single submitter. Criteria: Invitae Variant Classification Sherloc (09022015). Collection method: clinical testing. Allele origin: germline.
Comment: This sequence change replaces asparagine, which is neutral and polar, with threonine, which is neutral and polar, at codon 285 of the MET protein (p.Asn285Thr). This variant is not present in population databases (gnomAD no frequency). This variant has not been reported in the literature in individuals affected with MET-related conditions. Invitae Evidence Modeling of protein sequence and biophysical properties (such as structural, functional, and spatial information, amino acid conservation, physicochemical variation, residue mobility, and thermodynamic stability) indicates that this missense variant is not expected to disrupt MET protein function with a negative predictive value of 80%. In summary, the available evidence is currently insufficient to determine the role of this variant in disease. Therefore, it has been classified as a Variant of Uncertain Significance.

NM_000245.4(MET):c.854A>C (p.Asn285Thr)

Gene: MET (MET proto-oncogene, receptor tyrosine kinase; plus strand). Cytogenetic location: 7q31.2.
Variant type: single nucleotide variant.
Coding change: c.854A>C on transcript NM_000245.4 (MANE Select); coding-DNA position 854, A replaced by C.
Protein change: p.Asn285Thr; replaces asparagine 285 with threonine.
Molecular consequence: missense variant. On other transcripts: intron variant (1).
Genome position (GRCh38, 1-based): chr7:116,699,938, A>C. VCF-style: chr7-116699938-A-C. GRCh37 (hg19) VCF-style: chr7-116339992-A-C.
Other names: c.854A>C, p.Asn285Thr (NM_001127500.3, NM_001324401.3); c.-91+27361A>C (NM_001324402.2); short protein forms N285T.
Identifiers: ClinVar variation 3662511 (VCV003662511.2).